The following is an entry in ClinVar:

ClinVar aggregate classification (germline): Uncertain significance. Review status: criteria provided, multiple submitters, no conflicts (2 of 4 stars). 2 submissions from 2 submitters: Uncertain significance (2). Last evaluated 2023-03-08.

Allele frequency attached by ClinVar (database versions not stated): TOPMed below 0.00001; gnomAD 0.00001.

Submissions (2):

Labcorp Genetics (formerly Invitae), Labcorp
Classification: Uncertain significance. Last evaluated: 2023-03-08. Review status: criteria provided, single submitter. Criteria: Invitae Variant Classification Sherloc (09022015). Collection method: clinical testing. Allele origin: germline.
Comment: This variant is not present in population databases (gnomAD no frequency). This variant has not been reported in the literature in individuals affected with NEDD4L-related conditions. ClinVar contains an entry for this variant (Variation ID: 1710901). An algorithm developed to predict the effect of missense changes on protein structure and function (PolyPhen-2) suggests that this variant is likely to be disruptive. In summary, the available evidence is currently insufficient to determine the role of this variant in disease. Therefore, it has been classified as a Variant of Uncertain Significance. This sequence change replaces alanine, which is neutral and non-polar, with threonine, which is neutral and polar, at codon 570 of the NEDD4L protein (p.Ala570Thr).

GeneDx
Classification: Uncertain significance. Last evaluated: 2022-04-13. Review status: criteria provided, single submitter. Criteria: GeneDx Variant Classification Process June 2021. Collection method: clinical testing. Allele origin: germline. Affected: yes.
Comment: Not observed at significant frequency in large population cohorts (gnomAD); In silico analysis supports that this missense variant has a deleterious effect on protein structure/function; Has not been previously published as pathogenic or benign to our knowledge

NM_001144967.3(NEDD4L):c.1768G>A (p.Ala590Thr)

Gene: NEDD4L (NEDD4 like E3 ubiquitin protein ligase; plus strand). Cytogenetic location: 18q21.31.
Variant type: single nucleotide variant.
Coding change: c.1768G>A on transcript NM_001144967.3 (MANE Select); coding-DNA position 1768, G replaced by A.
Protein change: p.Ala590Thr; replaces alanine 590 with threonine.
Molecular consequence: missense variant.
Genome position (GRCh38, 1-based): chr18:58,364,268, G>A. VCF-style: chr18-58364268-G-A. GRCh37 (hg19) VCF-style: chr18-56031500-G-A.
Other names: c.1405G>A, p.Ala469Thr (NM_001144964.1, NM_001144965.2, NM_001144966.3); c.1744G>A, p.Ala582Thr (NM_001144968.2); c.1684G>A, p.Ala562Thr (NM_001144969.2); c.1345G>A, p.Ala449Thr (NM_001144970.3, NM_001144971.2); c.1576G>A, p.Ala526Thr (NM_001243960.2); c.1708G>A, p.Ala570Thr (NM_015277.6); short protein forms A449T, A469T, A526T, A562T, A570T, A582T, A590T.
Identifiers: ClinVar variation 1710901 (VCV001710901.5), dbSNP rs2045856957, ClinGen allele CA402545676.